The following is an entry in ClinVar:

NM_014112.5(TRPS1):c.2761C>T (p.Arg921Ter)

Gene: TRPS1 (transcriptional repressor GATA binding 1; minus strand). Cytogenetic location: 8q23.3.
Variant type: single nucleotide variant.
Coding change: c.2761C>T on transcript NM_014112.5 (MANE Select); coding-DNA position 2761, C replaced by T.
Protein change: p.Arg921Ter; replaces arginine 921 with a stop codon.
Molecular consequence: nonsense.
Genome position (GRCh38, 1-based): chr8:115,418,392, G>A on the plus strand (C>T on the coding strand, the complement: TRPS1 is on the minus strand). VCF-style: chr8-115418392-G-A. GRCh37 (hg19) VCF-style: chr8-116430620-G-A.
Other names: c.2734C>T, p.Arg912Ter (NM_001282902.3); c.2740C>T, p.Arg914Ter (NM_001282903.3); c.2722C>T, p.Arg908Ter (NM_001330599.2); c.2761C>T (NM_014112.2); short protein forms R921*, R908*, R912*, R914*.
Identifiers: ClinVar variation 438463 (VCV000438463.15), dbSNP rs751565386, ClinGen allele CA372064305.

ClinVar aggregate classification (germline): Pathogenic. Review status: criteria provided, multiple submitters, no conflicts (2 of 4 stars). 7 submissions from 7 submitters: Pathogenic (6). 1 of the submissions does not count toward it. Last evaluated 2025-09-27.

Conditions:
Trichorhinophalangeal syndrome, type III (TRPS3). Also called: SUGIO-KAJII SYNDROME. Identifiers: Orphanet 77258, MedGen C1860823, OMIM 190351, MONDO:0008597.
Trichorhinophalangeal dysplasia type I (TRPS1). Also called: TRPS I; TRICHORHINOPHALANGEAL SYNDROME, TYPE I. Identifiers: Orphanet 77258, MedGen C0432233, MONDO:0008596, OMIM 190350.
TRPS1-related disorder. Also called: TRPS1-related condition.

gnomAD v4.1: 1 of 1,614,096 alleles (0.000062%); highest among the groups gnomAD compares: Non-Finnish European, 0.000085%; no homozygotes.

Submissions (7):

Variantyx, Inc.
Classification: Pathogenic for Trichorhinophalangeal dysplasia type I. Last evaluated: 2025-09-27. Review status: criteria provided, single submitter. Criteria: Variantyx Assertion Criteria 2022. Collection method: clinical testing. Allele origin: germline. Inheritance: Autosomal recessive inheritance. Affected: yes.
Comment: This is a nonsense variant in the TRPS1 gene (OMIM: 604386). Pathogenic variants in this gene have been associated with autosomal dominant trichorhinophalangeal syndrome, type I. This variant introduces a premature termination codon in exon 6 out of 7 and is expected to result in loss of function, which is a known disease mechanism for TRPS1 in this disorder (PMID: 25792522, 28170084) (PVS1). This variant has been reported in at least 2 unrelated affected individuals (PMID: 25792522, 28170084) (PS4_Moderate) and has a 0.0001% maximum allele frequency in non-founder control populations (PM2). Based on the current evidence, this variant is classified as pathogenic for autosomal dominant trichorhinophalangeal syndrome, type I.

Labcorp Genetics (formerly Invitae), Labcorp
Classification: Pathogenic for Trichorhinophalangeal syndrome, type III; Trichorhinophalangeal dysplasia type I. Last evaluated: 2024-10-24. Review status: criteria provided, single submitter. Criteria: Invitae Variant Classification Sherloc (09022015). Collection method: clinical testing. Allele origin: germline.
Comment: This sequence change creates a premature translational stop signal (p.Arg921*) in the TRPS1 gene. It is expected to result in an absent or disrupted protein product. Loss-of-function variants in TRPS1 are known to be pathogenic (PMID: 11112658). This variant is not present in population databases (gnomAD no frequency). This premature translational stop signal has been observed in individuals with clinical features of trichorhinopharyngeal syndrome (PMID: 25792522, 28170084). ClinVar contains an entry for this variant (Variation ID: 438463). For these reasons, this variant has been classified as Pathogenic.

GeneDx
Classification: Pathogenic. Last evaluated: 2023-06-20. Review status: criteria provided, single submitter. Criteria: GeneDx Variant Classification Process June 2021. Collection method: clinical testing. Allele origin: germline. Affected: yes.
Comment: Reported in patients with trichorhinophalangeal syndrome in published literature (Maas et al., 2015); Nonsense variant predicted to result in protein truncation or nonsense mediated decay in a gene for which loss of function is a known mechanism of disease; Not observed at significant frequency in large population cohorts (gnomAD); This variant is associated with the following publications: (PMID: 27133561, 36291383, 25177352, 28170084, 25792522)

Institute of Medical Genetics and Applied Genomics, University Hospital Tübingen
Classification: Pathogenic. Last evaluated: 2020-10-23. Review status: criteria provided, single submitter. Criteria: ACMG Guidelines, 2015. Collection method: clinical testing. Allele origin: germline. Inheritance: Autosomal dominant inheritance. Affected: yes.

Blueprint Genetics
Classification: Pathogenic for TRPS1-related disorders. Last evaluated: 2018-08-27. Review status: criteria provided, single submitter. Criteria: ACMG Guidelines, 2015. Collection method: clinical testing. Allele origin: germline. Affected: yes. Observed: 1 variant allele.

Clinical Genetics and Genomics, Karolinska University Hospital
Classification: Pathogenic. Last evaluated: 2016-02-12. Review status: criteria provided, single submitter. Criteria: ACMG Guidelines, 2015. Collection method: clinical testing. Allele origin: germline. Affected: yes. Observed: 1 variant allele.

GeneReviews
No classification provided. Condition: Trichorhinophalangeal dysplasia type I. Review status: no classification provided. Collection method: literature only. Allele origin: germline. Not counted in ClinVar's aggregate classification.

Literature cited by the submitters: PubMed 25792522 (cited by 3 submitters); PubMed 28170084 (cited by Variantyx, Inc. and Labcorp Genetics (formerly Invitae), Labcorp); PubMed 11112658 (cited by Labcorp Genetics (formerly Invitae), Labcorp); NCBI Bookshelf NBK425926 (cited by GeneReviews).